The following is an entry in ClinVar:

NM_001081.4(CUBN):c.9681T>A (p.Ser3227Arg)

Gene: CUBN (cubilin; minus strand). Cytogenetic location: 10p13.
Variant type: single nucleotide variant.
Coding change: c.9681T>A on transcript NM_001081.4 (MANE Select); coding-DNA position 9681, T replaced by A.
Protein change: p.Ser3227Arg; replaces serine 3227 with arginine.
Molecular consequence: missense variant.
Genome position (GRCh38, 1-based): chr10:16,841,030, A>T on the plus strand (T>A on the coding strand, the complement: CUBN is on the minus strand). VCF-style: chr10-16841030-A-T. GRCh37 (hg19) VCF-style: chr10-16883029-A-T.
Other names: c.9681T>A (NM_001081.3); short protein forms S3227R.
Identifiers: ClinVar variation 1022614 (VCV001022614.8), dbSNP rs773439837, ClinGen allele CA5422623.
Genomic context (GRCh38, chr10:16,841,030, plus strand): 5'-AGAGATAAAAGGAGCAGGTACTGTGGAACCACAAAACGTTCCAGCCAAGTTCGCATTTTC[A>T]CTATCCCCATCATATAACTGAGAAGAAAAACAATTCATTACTTCTCCATTACTTACAAAA-3'
Protein context (NP_001072.2, residues 3217-3237): YDYVKLYDGD[Ser3227Arg]ENANLAGTFC

ClinVar aggregate classification (germline): Uncertain significance. Review status: criteria provided, multiple submitters, no conflicts (2 of 4 stars). 2 submissions from 2 submitters: Uncertain significance (2). Last evaluated 2025-07-16.

Conditions:
Inborn genetic diseases. Identifiers: MedGen C0950123, MeSH D030342.
Imerslund-Grasbeck syndrome. Also called: ENTEROCYTE COBALAMIN MALABSORPTION; ENTEROCYTE INTRINSIC FACTOR RECEPTOR, DEFECT OF; Megaloblastic anemia due to inborn errors of metabolism; Imerslund-Gräsbeck syndrome; PERNICIOUS ANEMIA, JUVENILE, DUE TO SELECTIVE INTESTINAL MALABSORPTION OF VITAMIN B12, WITH PROTEINURIA. Identifiers: Orphanet 35858, MedGen C4551825, MONDO:0009853.

Allele frequency attached by ClinVar (database versions not stated): gnomAD exomes 0.00001 and 0.00002; ExAC 0.00002; TOPMed 0.00004; gnomAD 0.00005.
gnomAD v4.1: 15 of 1,613,972 alleles (0.00093%); highest among the groups gnomAD compares: Admixed American, 0.023%; no homozygotes.

Submissions (2):

Ambry Genetics
Classification: Uncertain significance for Inborn genetic diseases. Last evaluated: 2025-07-16. Review status: criteria provided, single submitter. Criteria: Ambry Variant Classification Scheme 2023. Collection method: clinical testing. Allele origin: germline.

Labcorp Genetics (formerly Invitae), Labcorp
Classification: Uncertain significance for Imerslund-Grasbeck syndrome. Last evaluated: 2020-08-11. Review status: criteria provided, single submitter. Criteria: Invitae Variant Classification Sherloc (09022015). Collection method: clinical testing. Allele origin: germline.
Comment: This sequence change replaces serine with arginine at codon 3227 of the CUBN protein (p.Ser3227Arg). The serine residue is moderately conserved and there is a moderate physicochemical difference between serine and arginine. This variant is present in population databases (rs773439837, ExAC 0.02%). This variant has not been reported in the literature in individuals with CUBN-related conditions. Algorithms developed to predict the effect of missense changes on protein structure and function are either unavailable or do not agree on the potential impact of this missense change (SIFT: "Tolerated"; PolyPhen-2: "Possibly Damaging"; Align-GVGD: "Class C0"). In summary, the available evidence is currently insufficient to determine the role of this variant in disease. Therefore, it has been classified as a Variant of Uncertain Significance.